The following is an entry in ClinVar:

NM_152383.5(DIS3L2):c.702+1G>A

Gene: DIS3L2 (DIS3 like 3'-5' exoribonuclease 2; plus strand). Cytogenetic location: 2q37.1.
Variant type: single nucleotide variant.
Coding change: c.702+1G>A on transcript NM_152383.5 (MANE Select); the canonical splice donor site of the intron after coding-DNA position 702, G replaced by A.
Molecular consequence: splice donor variant. On other transcripts: missense variant (1), non-coding transcript variant (1).
Genome position (GRCh38, 1-based): chr2:232,130,720, G>A. VCF-style: chr2-232130720-G-A. GRCh37 (hg19) VCF-style: chr2-232995430-G-A.
Other names: c.703G>A, p.Val235Ile (NM_001257282.2); c.702+1G>A (NM_001257281.2); short protein forms V235I.
Identifiers: ClinVar variation 1068114 (VCV001068114.7), dbSNP rs2106350184, ClinGen allele CA351153294.
Genomic context (GRCh38, chr2:232,130,720, plus strand): 5'-ACCTGCATTTCACAAGACACAAGAGCTTTATCGGAGAAATCCCTGCAAAGATCAGCAAAG[G>A]TCATTGCCTACAGATTTTCTCCACGTGTCCAAATGGCTTTCACCTGAGCTACTTGTTGAA-3'

ClinVar aggregate classification (germline): Likely pathogenic (1 of 4 stars; one submission).

Conditions:
Perlman syndrome (PRLMNS). Identifiers: Orphanet 2849, MedGen C0796113, MONDO:0009965, OMIM 267000.

Submission:

Labcorp Genetics (formerly Invitae), Labcorp
Classification: Likely pathogenic for Perlman syndrome. Last evaluated: 2020-07-29. Review status: criteria provided, single submitter. Criteria: Invitae Variant Classification Sherloc (09022015). Collection method: clinical testing. Allele origin: germline.
Comment: This variant has not been reported in the literature in individuals with DIS3L2-related conditions. In summary, the currently available evidence indicates that the variant is pathogenic, but additional data are needed to prove that conclusively. Therefore, this variant has been classified as Likely Pathogenic. Donor and acceptor splice site variants typically lead to a loss of protein function (PMID: 16199547), and loss-of-function variants in DIS3L2 are known to be pathogenic (PMID: 22306653, 28328139). Algorithms developed to predict the effect of sequence changes on RNA splicing suggest that this variant may disrupt the consensus splice site, but this prediction has not been confirmed by published transcriptional studies. This variant is not present in population databases (ExAC no frequency). This sequence change affects a donor splice site in intron 7 of the DIS3L2 gene. It is expected to disrupt RNA splicing and likely results in an absent or disrupted protein product.

Literature cited by the submitters: PubMed 16199547; PubMed 22306653; PubMed 28328139.